The following is an entry in ClinVar:

NM_000448.3(RAG1):c.1194TCT[1] (p.Leu400del)

Gene: RAG1 (recombination activating 1; plus strand). Cytogenetic location: 11p12.
Variant type: Microsatellite.
Coding change: c.1194TCT[1] on transcript NM_000448.3 (MANE Select); one copy of the 3-base unit TCT starting at c.1194; the reference has two copies in a row; one copy, 3 bases deleted; also written c.1197_1199del.
Protein change: p.Leu400del; deletes leucine 400.
Molecular consequence: inframe deletion.
Genome position (GRCh38, 1-based): chr11:36,574,501-36,574,503, TCT deleted; deleting any 3 consecutive bases within chr11:36,574,498-36,574,503 gives the same sequence; the position shown is the placement nearest the transcript's 3' end. VCF-style (leftmost placement, unchanged base first): chr11-36574497-ATCT-A. GRCh37 (hg19) VCF-style: chr11-36596047-ATCT-A.
Other names: c.1194TCT[1], p.Leu400del (NM_001377277.1, NM_001377278.1, NM_001377279.1 and 1 more transcripts); c.1197_1199del (NM_000448.3); short protein forms L400del.
Identifiers: ClinVar variation 3235046 (VCV003235046.1), dbSNP rs1850806154, ClinGen allele CA1964212596.

ClinVar aggregate classification (germline): Uncertain significance (1 of 4 stars; one submission).

Conditions:
Severe combined immunodeficiency, autosomal recessive, T cell-negative, B cell-negative, NK cell-positive. Also called: SCID, T CELL-NEGATIVE, B CELL-NEGATIVE, NK CELL-POSITIVE; SCID, AR, T-cell negative, B-cell negative, NK cell-positive; Severe combined immunodeficiency due to complete RAG1/2 deficiency. Identifiers: Orphanet 331206, MedGen C1832322, MONDO:0011086, OMIM 601457.

Submission:

Neuberg Centre For Genomic Medicine, NCGM
Classification: Uncertain significance for Severe combined immunodeficiency, autosomal recessive, T cell-negative, B cell-negative, NK cell-positive. Review status: criteria provided, single submitter. Criteria: ACMG Guidelines, 2015. Collection method: clinical testing. Allele origin: germline. Inheritance: Autosomal recessive inheritance. Affected: yes.
Comment: The inframe deletion c.1197_1199delp.Leu400del variant in RAG1 gene has not been reported previously as a pathogenic variant nor as a benign variant, to our knowledge. This variant is novel not in any individuals in gnomAD Exomes and 1000 Genomes. This p.Leu400del causes deletion of amino acid Leucine at position 400. For these reasons, this variant has been classified as Uncertain Significance.